The following is an entry in ClinVar:

ClinVar aggregate classification (germline): Pathogenic/Likely pathogenic. Review status: criteria provided, multiple submitters, no conflicts (2 of 4 stars). 54 submissions from 52 submitters: Pathogenic (41); Likely pathogenic (5). 8 of the submissions do not count toward it. Last evaluated 2026-07-01.

Conditions:
Autoinflammatory syndrome. Identifiers: Orphanet 93665, MedGen C3890737, MONDO:0019751.
Hyperimmunoglobulin D with periodic fever (HIDS). Also called: HYPERIMMUNOGLOBULINEMIA D AND PERIODIC FEVER SYNDROME; Hyperimmunoglobulinemia D; Hyperimmunoglobulinemia D with periodic fever. Identifiers: Orphanet 343, MedGen C0398691, MONDO:0009849, OMIM 260920.
Mevalonic aciduria (MEVA). Identifiers: Orphanet 29, MedGen C1959626, MONDO:0012481, OMIM 610377.
autosomal recessive MVK-related disorders.
Inborn genetic diseases. Identifiers: MedGen C0950123, MeSH D030342.
MVK-related disorder. Also called: MVK-related condition; MVK-related disorders. Identifiers: MedGen CN239294.
Retinal dystrophy. Also called: Inherited retinal dystrophy. Identifiers: Orphanet 71862, MedGen C0854723, MeSH D058499, MONDO:0019118, HP:0000556.
Porokeratosis 3, disseminated superficial actinic type (POROK3). Also called: POROKERATOSIS, DISSEMINATED SUPERFICIAL ACTINIC, 1; POROKERATOSIS 3, MULTIPLE TYPES; POROKERATOSIS 3, MIBELLI TYPE. Identifiers: MedGen C1867981, MONDO:0008293, OMIM 175900.

Allele frequency attached by ClinVar (database versions not stated): ExAC 0.00141; gnomAD exomes 0.00158 and 0.00216; gnomAD 0.00156 and 0.00149; TOPMed 0.00134.
gnomAD v4.1: 3,382 of 1,612,856 alleles (0.21%); highest among the groups gnomAD compares: Non-Finnish European, 0.25%; 4 homozygotes.

Submissions 1 to 8 of 54:

PreventionGenetics, part of Exact Sciences
Classification: Pathogenic for MVK-related condition. Last evaluated: 2026-07-01. Review status: criteria provided, single submitter. Criteria: ACMG Guidelines, 2015. Collection method: clinical testing. Allele origin: germline.
Comment: The MVK c.1129G>A variant is predicted to result in the amino acid substitution p.Val377Ile. This is a well-documented pathogenic variant for autosomal recessive Hyper-IgD syndrome (HIDS) and has been reported in ~90% of the HIDS cases, both in the homozygous and compound heterozygous states (Messer et al. 2016. PubMed ID: 26977311; Schlabe et al. 2016. PubMed ID: 27899390; Houten et al. 2003. PubMed ID: 12634869). This is consistent with findings that carriers of this variant display variable expressivity including those who are homozygous (Houten et al. 2003. PubMed ID: 12634869; Messer et al. 2016. PubMed ID: 26977311). Functional studies indicate that this variant disrupts MVK enzyme activity (Cuisset et al. 2001. PubMed ID: 11313769; Houten et al. 1999. PubMed ID: 10369261; Messer et al. 2016. PubMed ID: 26977311). This variant is reported in 0.24% of alleles in individuals of European (Non-Finnish) descent in gnomAD and is classified as a pathogenic variant in ClinVar (Variation ID: 11929). The clinical association of this variant in autosomal recessive mevalonic aciduria has not been determined; however, it is considered pathogenic for autosomal recessive HIDS and likely pathogenic for autosomal dominant porokeratosis.

CeGaT Center for Human Genetics Tuebingen
Classification: Pathogenic. Last evaluated: 2026-05-01. Review status: criteria provided, single submitter. Criteria: CeGaT Center For Human Genetics Tuebingen Variant Classification Criteria Version 2. Collection method: clinical testing. Allele origin: germline. Affected: yes. Observed: 32 variant alleles.
Comment: MVK: PM3:Very Strong, PS3:Moderate, PM2:Supporting

OLLIN Analises Genomicas, OLLIN
Classification: Pathogenic for Mevalonic aciduria. Last evaluated: 2026-02-13. Review status: criteria provided, single submitter. Criteria: ACMG Guidelines 2015 PMID 25741868. Collection method: clinical testing. Allele origin: germline. Observed: 1 variant allele.
Comment: PS3_P, PM2_P, PM3_VS, PP1, PP2, BS1

Labcorp Genetics (formerly Invitae), Labcorp
Classification: Pathogenic for Mevalonic aciduria; Hyperimmunoglobulin D with periodic fever; Porokeratosis 3, disseminated superficial actinic type. Last evaluated: 2026-02-01. Review status: criteria provided, single submitter. Criteria: Invitae Variant Classification Sherloc (09022015). Collection method: clinical testing. Allele origin: germline.
Comment: This sequence change replaces valine, which is neutral and non-polar, with isoleucine, which is neutral and non-polar, at codon 377 of the MVK protein (p.Val377Ile). This variant is present in population databases (rs28934897, gnomAD 0.2%), and has an allele count higher than expected for a pathogenic variant. This missense change has been observed in individual(s) with hyper IgD syndrome (HIDS), and is one of the most commonly reported variants found in HIDS patients (PMID: 10369261, 11313769, 12634869, 15536479, 26977311). It has also been observed to segregate with disease in related individuals. ClinVar contains an entry for this variant (Variation ID: 11929). An algorithm developed to predict the effect of missense changes on protein structure and function outputs the following: PolyPhen-2: "Benign". The isoleucine amino acid residue is found in multiple mammalian species, which suggests that this missense change does not adversely affect protein function. Experimental studies have shown that this missense change affects MVK function (PMID: 10369261, 26977311). For these reasons, this variant has been classified as Pathogenic.

3billion
Classification: Pathogenic for MVK-related disorder. Last evaluated: 2025-12-16. Review status: criteria provided, single submitter. Criteria: ACMG Guidelines, 2015. Collection method: clinical testing. Allele origin: germline. Affected: yes.
Comment: The variant is observed at an extremely low frequency in the gnomAD v4.1.0 dataset (total allele frequency: 0.210%). Predicted Consequence/Location: Missense variant Functional studies provide moderate evidence of the variant having a damaging effect on the gene or gene product (PMID: 10369261). In silico tool predictions suggest damaging effect of the variant on gene or gene product [3Cnet: 0.99 (> 0.75, sensitivity 0.96 and precision 0.92)]. The same nucleotide change resulting in the same amino acid change has been previously reported as pathogenic/likely pathogenic with strong evidence (ClinVar ID: VCV000011929 /PMID: 10369261 /3billion dataset). The variant has been reported to be in trans with a pathogenic variant as either compound heterozygous or homozygous in at least 4 similarly affected unrelated individuals (PMID: 22038276, 24177804, 24233262, 25708585, 25866490, 26977311). Therefore, this variant is classified as Pathogenic according to the recommendation of ACMG/AMP guideline.

ARUP Laboratories, Molecular Genetics and Genomics, ARUP Laboratories
Classification: Pathogenic. Last evaluated: 2025-04-03. Review status: criteria provided, single submitter. Criteria: ARUP Molecular Germline Variant Investigation Process 2024. Collection method: clinical testing. Allele origin: germline.
Comment: The MVK c.1129G>A;p.Val377Ile variant (rs28934897, ClinVar Variation ID: 11929) is described in the medical literature in both the homozygous and compound heterozygous state in individuals with hyperimmunoglobulin D syndrome (HIDS) with reduced mevalonate kinase activity and has been implicated as the most common pathogenic HIDS variant (Houten 1999, Houten 2003). This variant is found in the general population with an overall frequency of 0.1% (443/280,790 alleles) in the Genome Aggregation Database (v2.1.1). Considering available information, this variant is classified as pathogenic. References: Houten SM et al. Mutations in MVK, encoding mevalonate kinase, cause hyperimmunoglobulinaemia D and periodic fever syndrome. Nat Genet. 1999 22(2):175-7. PMID: 10369261. Houten SM et al. Carrier frequency of the V377I (1129G>A) MVK mutation, associated with Hyper-IgD and periodic fever syndrome, in the Netherlands. Eur J Hum Genet. 2003 11(2):196-200. PMID: 12634869.

First Genomix Gene Laboratory, Genetic Diagnostics Department
Classification: Pathogenic for Hyperimmunoglobulin D with periodic fever; Mevalonic aciduria. Last evaluated: 2025-03-27. Review status: criteria provided, single submitter. Criteria: ACMG Guidelines, 2015. Collection method: clinical testing. Allele origin: germline. Inheritance: Autosomal recessive inheritance. Affected: no. Observed: 1 variant allele.

Division of Genetic & Genomic Pathology, Hong Kong Children's Hospital
Classification: Pathogenic for Hyperimmunoglobulin D with periodic fever. Last evaluated: 2025-03-12. Review status: criteria provided, single submitter. Criteria: ACMG Guidelines, 2015. Collection method: clinical testing. Allele origin: germline. Affected: yes.
Comment: MVK c.1129G>A p.(Val377Ile) is a missense variant located in exon 11 of the gene. This variant has been reported in homozygous or compound heterozygous state in individuals with mevalonate kinase deficiency. It was observed to segregate with disease in related individuals (PMID: 10369261, 11313769, 12634869, 15536479, 26977311). The variant has been reported as (likely) pathogenic in the ClinVar database by multiple submitters (VCV000011929.104) and Infevers database. It is present in population controls (gnomAD v4.1.0: 3,382 heterozygotes and 4 homozygotes in 1,612,856 alleles; European (non-Finnish): 2,954 heterozygotes and 3 homozygotes in 1,179,938 alleles). Experimental studies showed that this missense change affects mevalonate kinase function (PMID: 10369261, 26977311). For these reasons, this variant is classified as pathogenic.

NM_000431.4(MVK):c.1129G>A (p.Val377Ile)

Gene: MVK (mevalonate kinase; plus strand). Cytogenetic location: 12q24.11.
Variant type: single nucleotide variant.
Coding change: c.1129G>A on transcript NM_000431.4 (MANE Select); coding-DNA position 1129, G replaced by A.
Protein change: p.Val377Ile; replaces valine 377 with isoleucine.
Molecular consequence: missense variant.
Genome position (GRCh38, 1-based): chr12:109,596,515, G>A. VCF-style: chr12-109596515-G-A. GRCh37 (hg19) VCF-style: chr12-110034320-G-A.
Other names: c.1129G>A, p.Val377Ile (NM_001114185.3); c.973G>A, p.Val325Ile (NM_001301182.2); short protein forms V377I, V325I.
Identifiers: ClinVar variation 11929 (VCV000011929.129), dbSNP rs28934897, ClinGen allele CA121776.